The following is an entry in ClinVar:

ClinVar aggregate classification (germline): Uncertain significance. Review status: criteria provided, multiple submitters, no conflicts (2 of 4 stars). 2 submissions from 2 submitters: Uncertain significance (2). Last evaluated 2026-01-12.

Conditions:
Malignant hyperthermia, susceptibility to, 1 (MHS1). Also called: Anesthesia related hyperthermia; Malignant hyperpyrexia; Fulminating hyperpyrexia; Pharmacogenic myopathy; RYR1-Related Malignant Hyperthermia Susceptibility; Malignant hyperthermia suceptibility 1. Identifiers: Orphanet 423, MedGen C2930980, MONDO:0007783, OMIM 145600.
RYR1-related disorder. Also called: RYR1-related condition; RYR1-related disorders. Identifiers: MedGen CN239331.

Submissions (2):

Labcorp Genetics (formerly Invitae), Labcorp
Classification: Uncertain significance for RYR1-related disorder. Last evaluated: 2026-01-12. Review status: criteria provided, single submitter. Criteria: Invitae Variant Classification Sherloc (09022015). Collection method: clinical testing. Allele origin: germline.
Comment: This sequence change falls in intron 103 of the RYR1 gene. It does not directly change the encoded amino acid sequence of the RYR1 protein. It affects a nucleotide within the consensus splice site. This variant is present in population databases (rs749327929, gnomAD 0.02%). This variant has not been reported in the literature in individuals affected with RYR1-related conditions. ClinVar contains an entry for this variant (Variation ID: 3071912). Variants that disrupt the consensus splice site are a relatively common cause of aberrant splicing (PMID: 17576681, 9536098). Algorithms developed to predict the effect of sequence changes on RNA splicing suggest that this variant is not likely to affect RNA splicing. In summary, the available evidence is currently insufficient to determine the role of this variant in disease. Therefore, it has been classified as a Variant of Uncertain Significance.

All of Us Research Program, National Institutes of Health
Classification: Uncertain significance for Malignant hyperthermia, susceptibility to, 1. Last evaluated: 2023-06-26. Review status: criteria provided, single submitter. Criteria: ACMG Guidelines, 2015. Collection method: clinical testing. Allele origin: germline. Inheritance: Autosomal dominant inheritance. Observed: 1 variant allele, 1 heterozygote.
Comment: This variant causes the deletion of one nucleotide at the +5 position of intron 103 in the RYR1 gene. To our knowledge, functional studies have not been reported for this variant. This variant has not been reported in individuals affected with RYR1-related disorders in the literature. This variant has been identified in 3/251458 chromosomes in the general population by the Genome Aggregation Database (gnomAD). The available evidence is insufficient to determine the role of this variant in disease conclusively. Therefore, this variant is classified as a Variant of Uncertain Significance.

This study involves interpretation of variants in research participants for the purpose of population health screening. Participant phenotype was not available at the time of variant classification. Additional details can be found in publication PMID: 35346344, PMCID: PMC8962531

Literature cited by the submitters: PubMed 17576681 (cited by Labcorp Genetics (formerly Invitae), Labcorp); PubMed 9536098 (cited by Labcorp Genetics (formerly Invitae), Labcorp).

NM_000540.3(RYR1):c.14868+5del

Gene: RYR1 (ryanodine receptor 1; plus strand). Cytogenetic location: 19q13.2.
Variant type: Deletion.
Coding change: c.14868+5del on transcript NM_000540.3 (MANE Select); 5 bases into the intron after coding-DNA position 14868, one base deleted (G; older notation c.14868+5delG).
Molecular consequence: intron variant.
Genome position (GRCh38, 1-based): chr19:38,586,007, G deleted; the last of 2 consecutive G bases (chr19:38,586,006-38,586,007); deleting either gives the same sequence. VCF-style (leftmost placement, unchanged base first): chr19-38586005-AG-A. GRCh37 (hg19) VCF-style: chr19-39076645-AG-A.
Other names: c.14853+5del (NM_001042723.2).
Identifiers: ClinVar variation 3071912 (VCV003071912.2), dbSNP rs749327929, ClinGen allele CA061738.